The following is an entry in ClinVar:

ClinVar aggregate classification (germline): Likely benign. Review status: criteria provided, multiple submitters, no conflicts (2 of 4 stars). 2 submissions from 2 submitters: Likely benign (2). Last evaluated 2026-09-01.

Conditions:
PKD1-related disorder. Also called: PKD1-related condition.

gnomAD v4.1: 342 of 1,611,102 alleles (0.021%); highest among the groups gnomAD compares: Non-Finnish European, 0.026%; no homozygotes.

Submissions (2):

CeGaT Center for Human Genetics Tuebingen
Classification: Likely benign. Last evaluated: 2026-09-01. Review status: criteria provided, single submitter. Criteria: CeGaT Center For Human Genetics Tuebingen Variant Classification Criteria Version 2. Collection method: clinical testing. Allele origin: germline. Affected: yes. Observed: 2 variant alleles.
Comment: PKD1: BP4, BP7

PreventionGenetics, part of Exact Sciences
Classification: Likely benign for PKD1-related condition. Last evaluated: 2026-01-29. Review status: criteria provided, single submitter. Criteria: ACMG Guidelines, 2015. Collection method: clinical testing. Allele origin: germline.
Comment: This variant is classified as likely benign based on ACMG/AMP sequence variant interpretation guidelines (Richards et al. 2015 PMID: 25741868, with internal and published modifications).

NM_001009944.3(PKD1):c.4374C>T (p.Ala1458=)

Gene: PKD1 (polycystin 1, transient receptor potential channel interacting; minus strand). Cytogenetic location: 16p13.3.
Variant type: single nucleotide variant.
Coding change: c.4374C>T on transcript NM_001009944.3 (MANE Select); coding-DNA position 4374, C replaced by T.
Protein change: p.Ala1458=; no amino-acid change (alanine 1458 retained).
Molecular consequence: synonymous variant.
Genome position (GRCh38, 1-based): chr16:2,110,793, G>A on the plus strand (C>T on the coding strand, the complement: PKD1 is on the minus strand). VCF-style: chr16-2110793-G-A. GRCh37 (hg19) VCF-style: chr16-2160794-G-A.
Other names: c.4374C>T, p.Ala1458= (NM_000296.4).
Identifiers: ClinVar variation 4983152 (VCV004983152.2).
Genomic context (GRCh38, chr16:2,110,793, plus strand): 5'-CCCAAGGGAGCCATTGACCTTGATGCTGGTGACCAGCACGGGCTCCTGCACCTCCACCAG[G>A]GCTGAGTCATTGGCAGCAGAGATGTTGTTGGACGCGGTGACTGTCACAAGATAGGAGCCT-3'
Protein context (NP_001009944.3, residues 1448-1468): SNNISAANDS[Ala1458=]LVEVQEPVLV